The following is an entry in ClinVar:

ClinVar aggregate classification (germline): Conflicting classifications of pathogenicity. Review status: criteria provided, conflicting classifications (1 of 4 stars). 6 submissions from 6 submitters: Uncertain significance (2); Likely benign (3). 1 of the submissions does not count toward it. Last evaluated 2026-01-21.

Conditions:
Succinate-semialdehyde dehydrogenase deficiency (SSADHD). Also called: GABA METABOLIC DEFECT; Succinic Semialdehyde Dehydrogenase Deficiency; 4-HYDROXYBUTYRIC ACIDURIA; SSADH DEFICIENCY. Identifiers: Orphanet 22, MedGen C0268631, MONDO:0010083, OMIM 271980.
ALDH5A1-related disorder. Also called: ALDH5A1-related condition.

Allele frequency attached by ClinVar (database versions not stated): gnomAD exomes 0.00009 and 0.00019; ExAC 0.00028; gnomAD 0.00098 and 0.00105; TOPMed 0.00104; ESP Exome Variant Server 0.00131; 1000 Genomes Project 0.00140; 1000 Genomes Project 30x 0.00141.
gnomAD v4.1: 288 of 1,614,026 alleles (0.018%); highest among the groups gnomAD compares: African/African-American, 0.33%; 1 homozygote.

Submissions (6):

Labcorp Genetics (formerly Invitae), Labcorp
Classification: Likely benign for Succinate-semialdehyde dehydrogenase deficiency. Last evaluated: 2026-01-21. Review status: criteria provided, single submitter. Criteria: Invitae Variant Classification Sherloc (09022015). Collection method: clinical testing. Allele origin: germline.

Blueprint Genetics
Classification: Likely benign. Last evaluated: 2024-07-15. Review status: criteria provided, single submitter. Criteria: ACMG Guidelines, 2015. Collection method: clinical testing. Allele origin: germline.

New York Genome Center
Classification: Uncertain significance for Succinate-semialdehyde dehydrogenase deficiency. Last evaluated: 2022-01-28. Review status: criteria provided, single submitter. Criteria: NYGC Assertion Criteria 2020. Collection method: clinical testing. Allele origin: germline. Observed: 1 heterozygote. Study: CSER-NYCKidSeq.

GeneDx
Classification: Likely benign. Last evaluated: 2021-03-05. Review status: criteria provided, single submitter. Criteria: GeneDx Variant Classification Process June 2021. Collection method: clinical testing. Allele origin: germline. Affected: yes.

Eurofins Ntd Llc (ga)
Classification: Uncertain significance. Last evaluated: 2018-03-22. Review status: criteria provided, single submitter. Criteria: EGL ClinVar v180209 classification definitions. Collection method: clinical testing. Allele origin: germline. Observed: 5 variant alleles, 5 heterozygotes.

PreventionGenetics, part of Exact Sciences
Classification: Likely benign for ALDH5A1-related condition. Last evaluated: 2022-09-07. Review status: no assertion criteria provided. Collection method: clinical testing. Allele origin: germline. Not counted in ClinVar's aggregate classification.
Comment: This variant is classified as likely benign based on ACMG/AMP sequence variant interpretation guidelines (Richards et al. 2015 PMID: 25741868, with internal and published modifications).

NM_001080.3(ALDH5A1):c.1198G>A (p.Val400Ile)

Gene: ALDH5A1 (aldehyde dehydrogenase 5 family member A1; plus strand). Cytogenetic location: 6p22.3.
Variant type: single nucleotide variant.
Coding change: c.1198G>A on transcript NM_001080.3 (MANE Select); coding-DNA position 1198, G replaced by A.
Protein change: p.Val400Ile; replaces valine 400 with isoleucine.
Molecular consequence: missense variant.
Genome position (GRCh38, 1-based): chr6:24,528,021, G>A. VCF-style: chr6-24528021-G-A. GRCh37 (hg19) VCF-style: chr6-24528249-G-A.
Other names: c.1054G>A, p.Val352Ile (NM_001368954.1); c.1237G>A, p.Val413Ile (NM_170740.1); short protein forms V413I, V400I, V352I.
Identifiers: ClinVar variation 286690 (VCV000286690.23), dbSNP rs147358733, ClinGen allele CA3656880.